The following is an entry in ClinVar:

NC_012920.1(MT-TK):m.8356T>C

Gene: MT-TK (mitochondrially encoded tRNA lysine; plus strand).
Variant type: single nucleotide variant.
Genome position: chrM-8356-T-C.
Other names: T8356C; 8356T-C.
Identifiers: ClinVar variation 9580 (VCV000009580.10), dbSNP rs118192099, ClinGen allele CA120554.

ClinVar aggregate classification (germline): Likely pathogenic. Review status: reviewed by expert panel (3 of 4 stars). 6 submissions from 5 submitters: Likely pathogenic (1). 5 of the submissions do not count toward it. Last evaluated 2023-03-13.

Conditions:
Mitochondrial disease. Also called: Mitochondrial disorder; Mitochondrial disorders. Identifiers: Orphanet 68380, MedGen C0751651, MeSH D028361, MONDO:0044970.
MERRF syndrome (MERRF). Also called: Myoclonus with epilepsy with ragged red fibers; Myoencephalopathy ragged-red fiber disease; MYOCLONIC EPILEPSY ASSOCIATED WITH RAGGED-RED FIBERS. Identifiers: Orphanet 551, MedGen C0162672, MONDO:0010790, OMIM 545000.
MERRF/MELAS overlap syndrome. Identifiers: MedGen C3151970.
MELAS syndrome (MELAS). Also called: Juvenile myopathy, encephalopathy, lactic acidosis, stroke. Identifiers: Orphanet 550, MedGen C0162671, MONDO:0010789, OMIM 540000.

Submissions (6):

ClinGen Mitochondrial Disease Nuclear and Mitochondrial  Variant Curation Expert Panel, ClinGen
Classification: Likely pathogenic for Mitochondrial disease. Last evaluated: 2023-03-13. Review status: reviewed by expert panel. Criteria: McCormick et al. (Hum Mutat. 2020). Collection method: curation. Allele origin: germline. Inheritance: Mitochondrial inheritance.
Comment: The m.8356T>C variant in MT-TK has been reported in at least 11 individuals from two kindreds with primary mitochondrial disease. Age of onset ranged from the first decade of life to adulthood. Features seen in affected individuals include myoclonic epilepsy with ragged red fibers (MERRF), ataxia, generalized seizures, hearing loss, and lactic acidosis. Heteroplasmy levels were consistently lower in blood and higher in muscle, ranging from 43.4% to homoplasmy (PMIDs: 8069654, 1361099; PS4_supporting). Of note, there is an additional family reported in the literature that was not considered for this variant curation given the presence of another pathogenic variant, m.3243A>G. These individuals had features similar to those seen in individuals with m.8356T>C, as well as features classic for mitochondrial encephalomyopathy, lactic acidosis, and stroke-like episodes (MELAS; PMID: 20610441). This variant segregated with disease manifestations in multiple members of one family reported (PMID: 8069654; PP1_moderate). There are no reported cases of de novo occurrences to our knowledge. The computational predictor MitoTIP suggests this variant impacts the function of this tRNA (88.8 percentile) as does HmtVar with a score of 0.75 (PP3). This variant is absent in the GenBank dataset, Helix dataset, and gnomAD v3.1.2 (PM2_supporting). In cybrid cell lines homoplasmic for this variant, reduced oxygen consumption was reported, supporting the functional impact of this variant (PMID: 7739567; PS3_supporting). In summary, this variant meets criteria to be classified as likely pathogenic for primary mitochondrial disease inherited in a maternal manner. This classification was approved by the NICHD/NINDS U24 ClinGen Mitochondrial Disease Variant Curation Expert Panel on March 13, 2023. Mitochondrial DNA-specific ACMG/AMP criteria applied (PMID: 32906214): PS3_supporting, PS4_supporting, PP1_moderate, PP3, PM2_supporting.

Mendelics
Classification: Pathogenic for MELAS syndrome. Last evaluated: 2022-05-04. Review status: criteria provided, single submitter. Criteria: Mendelics Assertion Criteria 2019. Collection method: clinical testing. Allele origin: germline. Not counted in ClinVar's aggregate classification.

Wong Mito Lab, Molecular and Human Genetics, Baylor College of Medicine
Classification: Pathogenic for MELAS syndrome. Last evaluated: 2019-07-12. Review status: criteria provided, single submitter. Criteria: Modified ACMG Guidelines (Unpublished). Collection method: clinical testing. Allele origin: germline. Not counted in ClinVar's aggregate classification.
Comment: The NC_012920.1:m.8356T>C variant in MT-TK gene is interpreted to be a Pathogenic variant based on the modified ACMG guidelines (unpublished). This variant meets the following evidence codes reported in the guidelines: PS3, PS5, PM7

OMIM
Classification: Pathogenic for MERRF SYNDROME. Last evaluated: 2010-10-01. Review status: no assertion criteria provided. Collection method: literature only. Allele origin: germline. Not counted in ClinVar's aggregate classification.

OMIM
Classification: Pathogenic for MERRF/MELAS OVERLAP SYNDROME. Last evaluated: 2010-10-01. Review status: no assertion criteria provided. Collection method: literature only. Allele origin: germline. Not counted in ClinVar's aggregate classification.

GeneReviews
No classification provided. Condition: MERRF syndrome. Review status: no classification provided. Collection method: literature only. Allele origin: maternal. Not counted in ClinVar's aggregate classification.
Comment: Pathogenic variants identified in approximately 10% of persons w/MERRF

Literature cited by the submitters: PubMed 31965079 (cited by Wong Mito Lab, Molecular and Human Genetics, Baylor College of Medicine); PubMed 1361099 (cited by Wong Mito Lab, Molecular and Human Genetics, Baylor College of Medicine and OMIM); PubMed 8069654 (cited by OMIM); PubMed 20610441 (cited by OMIM); NCBI Bookshelf NBK1520 (cited by GeneReviews); PubMed 20301693 (cited by GeneReviews).